The following is an entry in ClinVar:

ClinVar aggregate classification (germline): Likely pathogenic (1 of 4 stars; one submission).

Conditions:
Neurofibromatosis, type 1 (NF1). Also called: VON RECKLINGHAUSEN DISEASE; Neurofibromatosis, type I; NEUROFIBROMATOSIS, TYPE I, SOMATIC; Peripheral type neurofibromatosis. Identifiers: Orphanet 636, MedGen C0027831, MONDO:0018975, OMIM 162200. Disease mechanism: loss of function.

Submission:

Laboratory of Medical Genetics, National & Kapodistrian University of Athens
Classification: Likely pathogenic for Neurofibromatosis, type 1. Last evaluated: 2024-06-04. Review status: criteria provided, single submitter. Criteria: ACMG Guidelines, 2015. Collection method: clinical testing. Allele origin: germline. Affected: yes.
Comment: PVS1, PM2 - The variant is expected to result in an absent or disrupted protein product. Not observed Not observed in large population cohorts (gnomAD).

NM_001042492.3(NF1):c.8090_8093del (p.Gln2697fs)

Gene: NF1 (neurofibromin 1; plus strand). Cytogenetic location: 17q11.2.
Variant type: Deletion.
Coding change: c.8090_8093del on transcript NM_001042492.3 (MANE Select); coding-DNA positions 8090 to 8093, 4 bases deleted (AATA; older notation c.8090_8093delAATA).
Protein change: p.Gln2697fs; shifts the reading frame from glutamine 2697.
Molecular consequence: frameshift variant.
Genome position (GRCh38, 1-based): chr17:31,358,599-31,358,602, AATA deleted. VCF-style (leftmost placement, unchanged base first): chr17-31358598-CAATA-C. GRCh37 (hg19) VCF-style: chr17-29685616-CAATA-C.
Other names: c.8027_8030delAATA, p.Gln2676Profs (NM_000267.4); short protein forms Q2676fs, Q2697fs.
Identifiers: ClinVar variation 3256550 (VCV003256550.1).